The following is an entry in ClinVar:

ClinVar aggregate classification (germline): Uncertain significance. Review status: criteria provided, multiple submitters, no conflicts (2 of 4 stars). 2 submissions from 2 submitters: Uncertain significance (2). Last evaluated 2026-08-21.

Conditions:
Inborn genetic diseases. Identifiers: MedGen C0950123, MeSH D030342.

Allele frequency attached by ClinVar (database versions not stated): gnomAD 0.00026 and 0.00018; ExAC 0.00009; ESP Exome Variant Server 0.00008.
gnomAD v4.1: 212 of 1,613,372 alleles (0.013%); highest among the groups gnomAD compares: Admixed American, 0.077%; no homozygotes.

Submissions (2):

Ambry Genetics
Classification: Uncertain significance for Inborn genetic diseases. Last evaluated: 2026-08-21. Review status: criteria provided, single submitter. Criteria: Ambry Variant Classification Scheme 2023. Collection method: clinical testing. Allele origin: germline.
Comment: The c.4567C>T (p.P1523S) alteration is located in exon 5 (coding exon 5) of the PCLO gene. This alteration results from a C to T substitution at nucleotide position 4567, causing the proline (P) at amino acid position 1523 to be replaced by a serine (S). Based on data from gnomAD, the T allele has an overall frequency of 0.019% (54/279808) total alleles studied. The highest observed frequency was 0.085% (30/35318) of Latino alleles. Based on insufficient or conflicting evidence, the clinical significance of this alteration remains unclear.

Labcorp Genetics (formerly Invitae), Labcorp
Classification: Uncertain significance. Last evaluated: 2022-09-01. Review status: criteria provided, single submitter. Criteria: Invitae Variant Classification Sherloc (09022015). Collection method: clinical testing. Allele origin: germline.
Comment: This sequence change replaces proline, which is neutral and non-polar, with serine, which is neutral and polar, at codon 1523 of the PCLO protein (p.Pro1523Ser). This variant is present in population databases (rs201756950, gnomAD 0.09%). This variant has not been reported in the literature in individuals affected with PCLO-related conditions. ClinVar contains an entry for this variant (Variation ID: 1510920). Algorithms developed to predict the effect of missense changes on protein structure and function are either unavailable or do not agree on the potential impact of this missense change (SIFT: "Deleterious"; PolyPhen-2: "Not Available"; Align-GVGD: "Class C0"). In summary, the available evidence is currently insufficient to determine the role of this variant in disease. Therefore, it has been classified as a Variant of Uncertain Significance.

NM_033026.6(PCLO):c.4567C>T (p.Pro1523Ser)

Gene: PCLO (piccolo presynaptic cytomatrix protein; minus strand). Cytogenetic location: 7q21.11.
Variant type: single nucleotide variant.
Coding change: c.4567C>T on transcript NM_033026.6 (MANE Select); coding-DNA position 4567, C replaced by T.
Protein change: p.Pro1523Ser; replaces proline 1523 with serine.
Molecular consequence: missense variant.
Genome position (GRCh38, 1-based): chr7:82,956,386, G>A on the plus strand (C>T on the coding strand, the complement: PCLO is on the minus strand). VCF-style: chr7-82956386-G-A. GRCh37 (hg19) VCF-style: chr7-82585702-G-A.
Other names: c.4567C>T (NM_033026.5); c.4567C>T, p.Pro1523Ser (NM_014510.3); short protein forms P1523S.
Identifiers: ClinVar variation 1510920 (VCV001510920.5), dbSNP rs201756950, ClinGen allele CA4320804.
Genomic context (GRCh38, chr7:82,956,386, plus strand): 5'-GTTTATACTCATCACTGCTTGATGAGCCAACACTAGTTCTTCGTTTTCTTTGTGGAACAG[G>A]TGAGTTTTCACTTTCACTACTCTCTTCAACTGAATCATAAGGCTCTCTTCTAGTAGTTAT-3'
Protein context (NP_149015.2, residues 1513-1533): VEESSESENS[Pro1523Ser]VPQRKRRTSV